The following is an entry in ClinVar:

NM_000368.5(TSC1):c.1142-11T>A

Gene: TSC1 (TSC complex subunit 1; minus strand). Cytogenetic location: 9q34.13.
Variant type: single nucleotide variant.
Coding change: c.1142-11T>A on transcript NM_000368.5 (MANE Select); 11 bases into the intron before coding-DNA position 1142, T replaced by A.
Molecular consequence: intron variant.
Genome position (GRCh38, 1-based): chr9:132,910,703, A>T on the plus strand (T>A on the coding strand, the complement: TSC1 is on the minus strand). VCF-style: chr9-132910703-A-T. GRCh37 (hg19) VCF-style: chr9-135786090-A-T.
Other names: c.779-14T>A (NM_001406620.1, NM_001406625.1, NM_001406621.1 and 2 more transcripts); c.779-11T>A (NM_001406618.1, NM_001406617.1, NM_001406619.1 and 5 more transcripts); c.989-14T>A (NM_001406613.1, NM_001406612.1, NM_001406611.1); c.989-11T>A (NM_001406610.1, NM_001162427.2); c.191-14T>A (NM_001406627.1, NM_001406628.1); c.92-14T>A (NM_001406629.1, NM_001406630.1); c.1142-14T>A (NM_001406603.1, NM_001406609.1, NM_001406597.1 and 6 more transcripts); c.1142-11T>A (NM_001406602.1, NM_001406606.1, NM_001406592.1 and 7 more transcripts); and 1 more.
Identifiers: ClinVar variation 3070212 (VCV003070212.1), dbSNP rs1845908527, ClinGen allele CA1882417158.

ClinVar aggregate classification (germline): Uncertain significance (1 of 4 stars; one submission).

Conditions:
Tuberous sclerosis syndrome (TSC). Also called: Tuberous sclerosis; Tuberous Sclerosis Complex. Identifiers: Orphanet 805, MedGen C0041341, MONDO:0001734.

Allele frequency attached by ClinVar (database versions not stated): gnomAD exomes below 0.00001.
gnomAD v4.1: 1 of 1,613,336 alleles (0.000062%); highest among the groups gnomAD compares: Non-Finnish European, 0.000085%; no homozygotes.

Submission:

All of Us Research Program, National Institutes of Health
Classification: Uncertain significance for Tuberous sclerosis syndrome. Last evaluated: 2023-04-03. Review status: criteria provided, single submitter. Criteria: ACMG Guidelines, 2015. Collection method: clinical testing. Allele origin: germline. Inheritance: Autosomal dominant inheritance. Observed: 1 variant allele, 1 heterozygote.
Comment: This variant causes a T to A nucleotide substitution at the -11 position of intron 11 of the TSC1 gene. Splice site prediction tools suggest that this variant may not impact RNA splicing. To our knowledge, functional studies have not been reported for this variant. This variant has not been reported in individuals affected with TSC1-related disorders in the literature. This variant has not been identified in the general population by the Genome Aggregation Database (gnomAD). The available evidence is insufficient to determine the role of this variant in disease conclusively. Therefore, this variant is classified as a Variant of Uncertain Significance.

This study involves interpretation of variants in research participants for the purpose of population health screening. Participant phenotype was not available at the time of variant classification. Additional details can be found in publication PMID: 35346344, PMCID: PMC8962531